The following is an entry in ClinVar:

NM_005886.3(KATNB1):c.1019C>T (p.Pro340Leu)

Gene: KATNB1 (katanin regulatory subunit B1; plus strand). Cytogenetic location: 16q21.
Variant type: single nucleotide variant.
Coding change: c.1019C>T on transcript NM_005886.3 (MANE Select); coding-DNA position 1019, C replaced by T.
Protein change: p.Pro340Leu; replaces proline 340 with leucine.
Molecular consequence: missense variant.
Genome position (GRCh38, 1-based): chr16:57,753,240, C>T. VCF-style: chr16-57753240-C-T. GRCh37 (hg19) VCF-style: chr16-57787152-C-T.
Other names: short protein forms P340L.
Identifiers: ClinVar variation 2107764 (VCV002107764.4), dbSNP rs969212898, ClinGen allele CA281606797.
Genomic context (GRCh38, chr16:57,753,240, plus strand): 5'-GGCCCCTGGCACAGCCACTGCCCAACCCCAGCGCCCCCCTCCGGCGCATCTATGAGCGGC[C>T]CAGCACAACCTGCAGCAAGCCTCAGAGGTGAGGGCCTGGGGGGCCTTCGGGGGCCCAGGA-3'
Protein context (NP_005877.2, residues 330-350): SAPLRRIYER[Pro340Leu]STTCSKPQRV

ClinVar aggregate classification (germline): Uncertain significance (1 of 4 stars; one submission).

Allele frequency attached by ClinVar (database versions not stated): gnomAD exomes below 0.00001.

Submission:

Labcorp Genetics (formerly Invitae), Labcorp
Classification: Uncertain significance. Last evaluated: 2022-05-18. Review status: criteria provided, single submitter. Criteria: Invitae Variant Classification Sherloc (09022015). Collection method: clinical testing. Allele origin: germline.
Comment: In summary, the available evidence is currently insufficient to determine the role of this variant in disease. Therefore, it has been classified as a Variant of Uncertain Significance. This sequence change replaces proline, which is neutral and non-polar, with leucine, which is neutral and non-polar, at codon 340 of the KATNB1 protein (p.Pro340Leu). This variant is not present in population databases (gnomAD no frequency). This variant has not been reported in the literature in individuals affected with KATNB1-related conditions. Algorithms developed to predict the effect of missense changes on protein structure and function are either unavailable or do not agree on the potential impact of this missense change (SIFT: "Tolerated"; PolyPhen-2: "Probably Damaging"; Align-GVGD: "Class C0").